The following is an entry in ClinVar:

NM_000059.4(BRCA2):c.4836A>G (p.Pro1612=)

Gene: BRCA2 (BRCA2 DNA repair associated; plus strand). Cytogenetic location: 13q13.1.
Variant type: single nucleotide variant.
Coding change: c.4836A>G on transcript NM_000059.4 (MANE Select); coding-DNA position 4836, A replaced by G.
Protein change: p.Pro1612=; no amino-acid change (proline 1612 retained).
Molecular consequence: synonymous variant. On other transcripts: non-coding transcript variant (1), intron variant (2).
Genome position (GRCh38, 1-based): chr13:32,339,191, A>G. VCF-style: chr13-32339191-A-G. GRCh37 (hg19) VCF-style: chr13-32913328-A-G.
Other names: c.4836A>G, p.Pro1612= (NM_001406719.1, NM_001406720.1, NM_001432077.1); c.1910-5367A>G (NM_001406721.1); c.425-5367A>G (NM_001406722.1).
Identifiers: ClinVar variation 3572356 (VCV003572356.1).

ClinVar aggregate classification (germline): Uncertain significance (1 of 4 stars; one submission).

gnomAD v4.1: 1 of 1,613,724 alleles (0.000062%); highest among the groups gnomAD compares: East Asian, 0.0022%; no homozygotes.

Submission:

Quest Diagnostics Nichols Institute San Juan Capistrano
Classification: Uncertain significance. Last evaluated: 2024-01-04. Review status: criteria provided, single submitter. Criteria: Quest Diagnostics criteria. Collection method: clinical testing. Allele origin: unknown.
Comment: The BRCA2 c.4836A>G (p.Pro1612=) synonymous variant has been reported in the published literature in an individual with prostate cancer (PMID: 31214711 (2020)). This variant has not been reported in large, multi-ethnic general populations (Genome Aggregation Database). Analysis of this variant using software algorithms for the prediction of the effect of nucleotide changes on splicing yielded predictions that this variant does not affect BRCA2 mRNA splicing. Based on the available information, we are unable to determine the clinical significance of this variant.

Literature cited by the submitters: PubMed 31214711.